The following is an entry in ClinVar:

ClinVar aggregate classification (germline): Uncertain significance. Review status: criteria provided, multiple submitters, no conflicts (2 of 4 stars). 3 submissions from 3 submitters: Uncertain significance (3). Last evaluated 2020-02-28.

Conditions:
Cardiovascular phenotype. Identifiers: MedGen CN230736.

Allele frequency attached by ClinVar (database versions not stated): gnomAD exomes below 0.00001; TOPMed below 0.00001; gnomAD 0.00001.
gnomAD v4.1: 4 of 1,586,440 alleles (0.00025%); highest among the groups gnomAD compares: Non-Finnish European, 0.00034%; no homozygotes.

Submissions (3):

Ambry Genetics
Classification: Uncertain significance for Cardiovascular phenotype. Last evaluated: 2020-02-28. Review status: criteria provided, single submitter. Criteria: Ambry Variant Classification Scheme 2023. Collection method: clinical testing. Allele origin: germline.
Comment: The p.D8278V variant (also known as c.24833A>T), located in coding exon 100 of the TTN gene, results from an A to T substitution at nucleotide position 24833. The aspartic acid at codon 8278 is replaced by valine, an amino acid with highly dissimilar properties. This amino acid position is highly conserved in available vertebrate species. In addition, the in silico prediction for this alteration is inconclusive. Since supporting evidence is limited at this time, the clinical significance of this alteration remains unclear.

Eurofins Ntd Llc (ga)
Classification: Uncertain significance. Last evaluated: 2017-04-14. Review status: criteria provided, single submitter. Criteria: EGL Classification Definitions 2015. Collection method: clinical testing. Allele origin: germline. Observed: 2 variant alleles, 2 heterozygotes.

Biesecker Lab/Clinical Genomics Section, National Institutes of Health
Classification: Uncertain significance. Last evaluated: 2013-06-24. Review status: criteria provided, single submitter. Criteria: Ng et al. (Circ Cardiovasc Genet. 2013). Collection method: research. Allele origin: unknown. Observed: 1 variant allele. Study: ClinSeq.
Comment: The study set was not selected for affection status in relation to any cancer. Pathogenicity categories were based on literature curation. See Pubmed ID:23861362 for details.

Medical sequencing

NM_001267550.2(TTN):c.52028A>T (p.Asp17343Val)

Genes: TTN-AS1 (TTN antisense RNA 1; plus strand), TTN (titin; minus strand). Cytogenetic location: 2q31.2.
Variant type: single nucleotide variant.
Coding change: c.52028A>T on transcript NM_001267550.2 (MANE Select); coding-DNA position 52028, A replaced by T.
Protein change: p.Asp17343Val; replaces aspartic acid 17343 with valine.
Molecular consequence: missense variant.
Genome position (GRCh38, 1-based): chr2:178,609,282, T>A on the plus strand (A>T on the coding strand, the complement: TTN is on the minus strand). VCF-style: chr2-178609282-T-A. GRCh37 (hg19) VCF-style: chr2-179474009-T-A.
Other names: c.47105A>T, p.Asp15702Val (NM_001256850.1); c.24833A>T, p.Asp8278Val (NM_003319.4); c.44324A>T, p.Asp14775Val (NM_133378.4); c.25208A>T, p.Asp8403Val (NM_133432.3); c.25409A>T, p.Asp8470Val (NM_133437.4); short protein forms D14775V, D17343V, D8278V, D8403V, D15702V, D8470V.
Identifiers: ClinVar variation 191949 (VCV000191949.7), dbSNP rs201796622, ClinGen allele CA237942.